The following is an entry in ClinVar:

ClinVar aggregate classification (germline): Uncertain significance (0 of 4 stars; one submission).

Conditions:
PLXNA3-related disorder. Also called: PLXNA3-related condition.

Submissions (2):

PreventionGenetics, part of Exact Sciences
Classification: Uncertain significance for PLXNA3-related condition. Last evaluated: 2024-03-07. Review status: no assertion criteria provided. Collection method: clinical testing. Allele origin: germline.
Comment: The PLXNA3 c.3583A>T variant is predicted to result in the amino acid substitution p.Met1195Leu. To our knowledge, this variant has not been reported in the literature or in a large population database, indicating this variant is rare. At this time, the clinical significance of this variant is uncertain due to the absence of conclusive functional and genetic evidence.

Dr. Peter K. Rogan Lab, Western University
No classification provided (evidence only). Condition: Ovarian serous cystadenocarcinoma. Review status: no classification provided. Collection method: in vitro. Allele origin: not applicable. Functional consequence: retained intron. Not counted in ClinVar's aggregate classification.

NM_017514.5(PLXNA3):c.3583A>T (p.Met1195Leu)

Gene: PLXNA3 (plexin A3; plus strand). Cytogenetic location: Xq28.
Variant type: single nucleotide variant.
Coding change: c.3583A>T on transcript NM_017514.5 (MANE Select); coding-DNA position 3583, A replaced by T.
Protein change: p.Met1195Leu; replaces methionine 1195 with leucine.
Molecular consequence: missense variant.
Genome position (GRCh38, 1-based): chrX:154,467,686, A>T. VCF-style: chrX-154467686-A-T. GRCh37 (hg19) VCF-style: chrX-153696029-A-T.
Other names: NC_000023.10:g.153696029A>T; short protein forms M1195L.
Identifiers: ClinVar variation 3352565 (VCV003352565.2).